The following is an entry in ClinVar:

NM_001033855.3(DCLRE1C):c.2001A>G (p.Leu667=)

Gene: DCLRE1C (DNA cross-link repair 1C; minus strand). Cytogenetic location: 10p13.
Variant type: single nucleotide variant.
Coding change: c.2001A>G on transcript NM_001033855.3 (MANE Select); coding-DNA position 2001, A replaced by G.
Protein change: p.Leu667=; no amino-acid change (leucine 667 retained).
Molecular consequence: synonymous variant. On other transcripts: non-coding transcript variant (3), intron variant (3).
Genome position (GRCh38, 1-based): chr10:14,908,486, T>C on the plus strand (A>G on the coding strand, the complement: DCLRE1C is on the minus strand). VCF-style: chr10-14908486-T-C. GRCh37 (hg19) VCF-style: chr10-14950485-T-C.
Other names: c.1641A>G, p.Leu547= (NM_001033857.3, NM_001033858.3, NM_001289077.2 and 1 more transcripts); c.1656A>G, p.Leu552= (NM_001289076.2, NM_001289078.2, NM_022487.4); c.1437+219A>G (NM_001350966.2); c.1782+219A>G (NM_001350965.2); c.1422+219A>G (NM_001350967.2).
Identifiers: ClinVar variation 194347 (VCV000194347.59), dbSNP rs61749163, ClinGen allele CA201134.

ClinVar aggregate classification (germline): Benign/Likely benign. Review status: criteria provided, multiple submitters, no conflicts (2 of 4 stars). 8 submissions from 8 submitters: Benign (2); Likely benign (2). 4 of the submissions do not count toward it. Last evaluated 2026-02-01.

Conditions:
DCLRE1C-related disorder. Also called: DCLRE1C-related condition.
Severe combined immunodeficiency due to DCLRE1C deficiency (RS-SCID). Also called: SCID, AUTOSOMAL RECESSIVE, T CELL-NEGATIVE, B CELL-NEGATIVE, NK CELL-POSITIVE, WITH SENSITIVITY TO IONIZING RADIATION. Identifiers: Orphanet 275, MedGen C1865371, MONDO:0011225, OMIM 602450.
Histiocytic medullary reticulosis. Also called: SEVERE COMBINED IMMUNODEFICIENCY WITH HYPEREOSINOPHILIA; Omenn syndrome. Identifiers: Orphanet 39041, MedGen C2700553, MONDO:0011338, OMIM 603554.

Allele frequency attached by ClinVar (database versions not stated): 1000 Genomes Project 30x 0.00031; 1000 Genomes Project 0.00040; TOPMed 0.00201; gnomAD 0.00215 and 0.00231; gnomAD exomes 0.00215 and 0.00355; ExAC 0.00246; ESP Exome Variant Server 0.00246.

Submissions (8):

Labcorp Genetics (formerly Invitae), Labcorp
Classification: Benign for Athabaskan severe combined immunodeficiency. Last evaluated: 2026-02-01. Review status: criteria provided, single submitter. Criteria: Invitae Variant Classification Sherloc (09022015). Collection method: clinical testing. Allele origin: germline.

CeGaT Center for Human Genetics Tuebingen
Classification: Likely benign. Last evaluated: 2025-08-01. Review status: criteria provided, single submitter. Criteria: CeGaT Center For Human Genetics Tuebingen Variant Classification Criteria Version 2. Collection method: clinical testing. Allele origin: germline. Affected: yes. Observed: 7 variant alleles.
Comment: DCLRE1C: BP4, BP7, BS2

Illumina Laboratory Services, Illumina
Classification: Likely benign for Histiocytic medullary reticulosis. Last evaluated: 2018-01-13. Review status: criteria provided, single submitter. Criteria: ICSL Variant Classification Criteria 13 December 2019. Collection method: clinical testing. Allele origin: germline.
Comment: This variant was observed in the ICSL laboratory as part of a predisposition screen in an ostensibly healthy population. It had not been previously curated by ICSL or reported in the Human Gene Mutation Database (HGMD: prior to June 1st, 2018), and was therefore a candidate for classification through an automated scoring system. Utilizing variant allele frequency, disease prevalence and penetrance estimates, and inheritance mode, an automated score was calculated to assess if this variant is too frequent to cause the disease. Based on the score and internal cut-off values, a variant classified as likely benign is not then subjected to further curation. The score for this variant resulted in a classification of likely benign for this disease.

Eurofins Ntd Llc (ga)
Classification: Benign. Last evaluated: 2015-05-26. Review status: criteria provided, single submitter. Criteria: EGL Classification Definitions 2015. Collection method: clinical testing. Allele origin: germline. Observed: 1 variant allele, 1 heterozygote.

Natera, Inc.
Classification: Benign for Omenn syndrome. Last evaluated: 2020-09-16. Review status: no assertion criteria provided. Collection method: clinical testing. Allele origin: germline. Not counted in ClinVar's aggregate classification.

PreventionGenetics, part of Exact Sciences
Classification: Likely benign for DCLRE1C-related condition. Last evaluated: 2019-03-18. Review status: no assertion criteria provided. Collection method: clinical testing. Allele origin: germline. Not counted in ClinVar's aggregate classification.
Comment: This variant is classified as likely benign based on ACMG/AMP sequence variant interpretation guidelines (Richards et al. 2015 PMID: 25741868, with internal and published modifications).

Clinical Genetics DNA and cytogenetics Diagnostics Lab, Erasmus MC, Erasmus Medical Center
Classification: Likely benign. Review status: no assertion criteria provided. Collection method: clinical testing. Allele origin: germline. Affected: yes. Study: VKGL Data-share Consensus. Not counted in ClinVar's aggregate classification.

Genome Diagnostics Laboratory, University Medical Center Utrecht
Classification: Likely benign. Review status: no assertion criteria provided. Collection method: clinical testing. Allele origin: germline. Affected: yes. Study: VKGL Data-share Consensus. Not counted in ClinVar's aggregate classification.